The following is an entry in ClinVar:

ClinVar aggregate classification (germline): Likely benign (1 of 4 stars; one submission).

gnomAD v4.1: 1 of 1,613,866 alleles (0.000062%); no homozygotes.

Submission:

CeGaT Center for Human Genetics Tuebingen
Classification: Likely benign. Last evaluated: 2023-02-01. Review status: criteria provided, single submitter. Criteria: CeGaT Center For Human Genetics Tuebingen Variant Classification Criteria Version 2. Collection method: clinical testing. Allele origin: germline. Affected: yes. Observed: 1 variant allele.
Comment: TCOF1: PM2:Supporting, BP4, BP7

NM_001371623.1(TCOF1):c.2952G>T (p.Pro984=)

Gene: TCOF1 (treacle ribosome biogenesis factor 1; plus strand). Cytogenetic location: 5q32.
Variant type: single nucleotide variant.
Coding change: c.2952G>T on transcript NM_001371623.1 (MANE Select); coding-DNA position 2952, G replaced by T.
Protein change: p.Pro984=; no amino-acid change (proline 984 retained).
Molecular consequence: synonymous variant.
Genome position (GRCh38, 1-based): chr5:150,387,994, G>T. VCF-style: chr5-150387994-G-T. GRCh37 (hg19) VCF-style: chr5-149767557-G-T.
Other names: c.2721G>T, p.Pro907= (NM_000356.4, NM_001135245.2); c.2952G>T, p.Pro984= (NM_001135243.2, NM_001135244.2, NM_001195141.2).
Identifiers: ClinVar variation 2655929 (VCV002655929.24), dbSNP rs536665269, ClinGen allele CA447159481.